The following is an entry in ClinVar:

NM_013432.5(TONSL):c.2126C>T (p.Pro709Leu)

Genes: TONSL (tonsoku like, DNA repair protein; minus strand), TONSL-AS1 (TONSL antisense RNA 1; plus strand). Cytogenetic location: 8q24.3.
Variant type: single nucleotide variant.
Coding change: c.2126C>T on transcript NM_013432.5 (MANE Select); coding-DNA position 2126, C replaced by T.
Protein change: p.Pro709Leu; replaces proline 709 with leucine.
Molecular consequence: missense variant.
Genome position (GRCh38, 1-based): chr8:144,436,307, G>A on the plus strand (C>T on the coding strand, the complement: TONSL is on the minus strand). VCF-style: chr8-144436307-G-A. GRCh37 (hg19) VCF-style: chr8-145661690-G-A.
Other names: short protein forms P709L.
Identifiers: ClinVar variation 1507006 (VCV001507006.3), dbSNP rs770142346, ClinGen allele CA4942911.

ClinVar aggregate classification (germline): Uncertain significance (1 of 4 stars; one submission).

Allele frequency attached by ClinVar (database versions not stated): ExAC 0.00001; gnomAD 0.00001; gnomAD exomes 0.00001 and 0.00002; TOPMed 0.00001.

Submission:

Labcorp Genetics (formerly Invitae), Labcorp
Classification: Uncertain significance. Last evaluated: 2022-08-22. Review status: criteria provided, single submitter. Criteria: Invitae Variant Classification Sherloc (09022015). Collection method: clinical testing. Allele origin: germline.
Comment: This sequence change replaces proline, which is neutral and non-polar, with leucine, which is neutral and non-polar, at codon 709 of the TONSL protein (p.Pro709Leu). This variant is present in population databases (rs770142346, gnomAD 0.002%). This variant has not been reported in the literature in individuals affected with TONSL-related conditions. ClinVar contains an entry for this variant (Variation ID: 1507006). Algorithms developed to predict the effect of missense changes on protein structure and function output the following: SIFT: "Tolerated"; PolyPhen-2: "Benign"; Align-GVGD: "Class C0". The leucine amino acid residue is found in multiple mammalian species, which suggests that this missense change does not adversely affect protein function. In summary, the available evidence is currently insufficient to determine the role of this variant in disease. Therefore, it has been classified as a Variant of Uncertain Significance.